The following is an entry in ClinVar:

ClinVar aggregate classification (germline): Uncertain significance (1 of 4 stars; one submission).

Conditions:
Hereditary cancer-predisposing syndrome. Also called: Neoplastic Syndromes, Hereditary; Tumor predisposition; Hereditary Cancer Syndrome; Hereditary neoplastic syndrome. Identifiers: Orphanet 140162, MedGen C0027672, MeSH D009386, MONDO:0015356.

Submission:

Ambry Genetics
Classification: Uncertain significance for Hereditary cancer-predisposing syndrome. Last evaluated: 2025-08-10. Review status: criteria provided, single submitter. Criteria: Ambry Variant Classification Scheme 2023. Collection method: clinical testing. Allele origin: germline.
Comment: The p.K238M variant (also known as c.713A>T), located in coding exon 4 of the BARD1 gene, results from an A to T substitution at nucleotide position 713. The lysine at codon 238 is replaced by methionine, an amino acid with similar properties. This amino acid position is conserved. In addition, this alteration is predicted to be tolerated by in silico analysis. Based on the available evidence, the clinical significance of this variant remains unclear.

NM_000465.4(BARD1):c.713A>T (p.Lys238Met)

Gene: BARD1 (BRCA1 associated RING domain 1; minus strand). Cytogenetic location: 2q35.
Variant type: single nucleotide variant.
Coding change: c.713A>T on transcript NM_000465.4 (MANE Select); coding-DNA position 713, A replaced by T.
Protein change: p.Lys238Met; replaces lysine 238 with methionine.
Molecular consequence: missense variant. On other transcripts: non-coding transcript variant (2), intron variant (3).
Genome position (GRCh38, 1-based): chr2:214,781,161, T>A on the plus strand (A>T on the coding strand, the complement: BARD1 is on the minus strand). VCF-style: chr2-214781161-T-A. GRCh37 (hg19) VCF-style: chr2-215645885-T-A.
Other names: c.656A>T, p.Lys219Met (NM_001282543.2); c.158+28251A>T (NM_001282548.2); c.215+15900A>T (NM_001282545.2); c.364+11136A>T (NM_001282549.2); short protein forms K219M, K238M.
Identifiers: ClinVar variation 4195376 (VCV004195376.1).